The following is an entry in ClinVar:

ClinVar aggregate classification (germline): Pathogenic. Review status: criteria provided, multiple submitters, no conflicts (2 of 4 stars). 2 submissions from 2 submitters: Pathogenic (2). Last evaluated 2024-10-11.

Conditions:
COL9A1-related disorder. Also called: COL9A1-related disorders; COL9A1-related condition.

Submissions (2):

Women's Health and Genetics/Laboratory Corporation of America, LabCorp
Classification: Pathogenic for COL9A1-Related Disorders. Last evaluated: 2024-10-11. Review status: criteria provided, single submitter. Criteria: LabCorp Variant Classification Summary - May 2015. Collection method: clinical testing. Allele origin: germline.
Comment: Variant summary: COL9A1 c.733delC (p.Leu245CysfsX15) results in a premature termination codon, predicted to cause a truncation of the encoded protein or absence of the protein due to nonsense mediated decay, which are commonly known mechanisms for disease. The variant allele was found at a frequency of 1.2e-05 in 245960 control chromosomes. To our knowledge, no occurrence of c.733delC in individuals affected with COL9A1-Related Disorders and no experimental evidence demonstrating its impact on protein function have been reported. ClinVar contains an entry for this variant (Variation ID: 1988476). Based on the evidence outlined above, the variant was classified as pathogenic.

Labcorp Genetics (formerly Invitae), Labcorp
Classification: Pathogenic. Last evaluated: 2022-12-01. Review status: criteria provided, single submitter. Criteria: Invitae Variant Classification Sherloc (09022015). Collection method: clinical testing. Allele origin: germline.
Comment: For these reasons, this variant has been classified as Pathogenic. This variant has not been reported in the literature in individuals affected with COL9A1-related conditions. The frequency data for this variant in the population databases is considered unreliable, as metrics indicate poor data quality at this position in the gnomAD database. This sequence change creates a premature translational stop signal (p.Leu245Cysfs*15) in the COL9A1 gene. It is expected to result in an absent or disrupted protein product. Loss-of-function variants in COL9A1 are known to be pathogenic (PMID: 16909383, 21421862).

Literature cited by the submitters: PubMed 16909383 (cited by Labcorp Genetics (formerly Invitae), Labcorp); PubMed 21421862 (cited by Labcorp Genetics (formerly Invitae), Labcorp).

NM_001851.6(COL9A1):c.733del (p.Leu245fs)

Gene: COL9A1 (collagen type IX alpha 1 chain; minus strand). Cytogenetic location: 6q13.
Variant type: Deletion.
Coding change: c.733del on transcript NM_001851.6 (MANE Select); coding-DNA position 733, one base deleted (C; older notation c.733delC).
Protein change: p.Leu245fs; shifts the reading frame from leucine 245.
Molecular consequence: frameshift variant.
Genome position (GRCh38, 1-based): chr6:70,283,784, G deleted on the plus strand (C on the coding strand, the reverse complement: COL9A1 is on the minus strand); the first of 5 consecutive G bases (chr6:70,283,784-70,283,788); deleting any one gives the same sequence. VCF-style (leftmost placement, unchanged base first): chr6-70283783-AG-A. GRCh37 (hg19) VCF-style: chr6-70993486-AG-A.
Other names: c.733delC (NM_001851.6); c.733del, p.Leu245fs (NM_001377291.1); short protein forms L245fs.
Identifiers: ClinVar variation 1988476 (VCV001988476.5), dbSNP rs1049091691, ClinGen allele CA140820536.